The following is an entry in ClinVar:

ClinVar aggregate classification (germline): Uncertain significance (1 of 4 stars; one submission).

Conditions:
MELAS syndrome (MELAS). Also called: Juvenile myopathy, encephalopathy, lactic acidosis, stroke. Identifiers: Orphanet 550, MedGen C0162671, MONDO:0010789, OMIM 540000.

Submission:

Wong Mito Lab, Molecular and Human Genetics, Baylor College of Medicine
Classification: Uncertain significance for MELAS syndrome. Last evaluated: 2019-07-12. Review status: criteria provided, single submitter. Criteria: Modified ACMG Guidelines (Unpublished). Collection method: clinical testing. Allele origin: germline.
Comment: The NC_012920.1:m.7538T>C variant in MT-TD gene is interpreted to be a Unknown Significance variant based on the modified ACMG guidelines (unpublished). This variant meets no criteria in the guidelines.

Literature cited by the submitters: PubMed 31965079.

NC_012920.1(MT-TD):m.7538T>C

Gene: MT-TD (mitochondrially encoded tRNA aspartic acid; plus strand).
Variant type: single nucleotide variant.
Genome position: chrM-7538-T-C.
Identifiers: ClinVar variation 690041 (VCV000690041.1), dbSNP rs1603221004, ClinGen allele CA913177339.
Genomic context (GRCh38, chrMT:7,538, plus strand): 5'-GGTTTCAAGCCAACCCCATGGCCTCCATGACTTTTTCAAAAAGGTATTAGAAAAACCATT[T>C]CATAACTTTGTCAAAGTTAAATTATAGGCTAAATCCTATATATCTTAATGGCACATGCAG-3'